The following is an entry in ClinVar:

NM_031475.3(ESPN):c.675+9C>T

Genes: ESPN (espin; plus strand), LOC129929241 (ATAC-STARR-seq lymphoblastoid silent region 155; plus strand). Cytogenetic location: 1p36.31.
Variant type: single nucleotide variant.
Coding change: c.675+9C>T on transcript NM_031475.3 (MANE Select); 9 bases into the intron after coding-DNA position 675, C replaced by T.
Molecular consequence: intron variant.
Genome position (GRCh38, 1-based): chr1:6,440,449, C>T. VCF-style: chr1-6440449-C-T. GRCh37 (hg19) VCF-style: chr1-6500509-C-T.
Other names: c.675+9C>T (NM_001367474.1, NM_001367473.1).
Identifiers: ClinVar variation 508703 (VCV000508703.11), dbSNP rs186770747, ClinGen allele CA559958.
Genomic context (GRCh38, chr1:6,440,449, plus strand): 5'-CCCGCTGCACGCCGCGGCGCAGATGGGCCACAGCCCAGTCATCGTGTGGTTGGTGAGCTC[C>T]GGGCCCGGGCGGGGAGCAGGGGAGGCGGGGCGGAGCCGGCAGGGCGGGGAGTGGAGGGAG-3'

ClinVar aggregate classification (germline): Benign. Review status: criteria provided, multiple submitters, no conflicts (2 of 4 stars). 2 submissions from 2 submitters: Benign (2). Last evaluated 2026-01-21.

Allele frequency attached by ClinVar (database versions not stated): ExAC 0.00750; 1000 Genomes Project 30x 0.01234; 1000 Genomes Project 0.01238; gnomAD 0.01317; ESP Exome Variant Server 0.01330; TOPMed 0.01628.
gnomAD v4.1: 4,099 of 1,538,336 alleles (0.27%); highest among the groups gnomAD compares: African/African-American, 5.1%; 91 homozygotes.

Submissions (2):

Labcorp Genetics (formerly Invitae), Labcorp
Classification: Benign. Last evaluated: 2026-01-21. Review status: criteria provided, single submitter. Criteria: Invitae Variant Classification Sherloc (09022015). Collection method: clinical testing. Allele origin: germline.

GeneDx
Classification: Benign. Last evaluated: 2017-11-03. Review status: criteria provided, single submitter. Criteria: GeneDx Variant Classification (06012015). Collection method: clinical testing. Allele origin: germline. Affected: yes.
Comment: This variant is considered likely benign or benign based on one or more of the following criteria: it is a conservative change, it occurs at a poorly conserved position in the protein, it is predicted to be benign by multiple in silico algorithms, and/or has population frequency not consistent with disease.